The following is an entry in ClinVar:

ClinVar aggregate classification (germline): Uncertain significance. Review status: criteria provided, multiple submitters, no conflicts (2 of 4 stars). 2 submissions from 2 submitters: Uncertain significance (2). Last evaluated 2024-07-16.

Conditions:
Catecholaminergic polymorphic ventricular tachycardia 1. Also called: VENTRICULAR TACHYCARDIA, CATECHOLAMINERGIC POLYMORPHIC, 1, WITH OR WITHOUT ATRIAL DYSFUNCTION AND/OR DILATED CARDIOMYOPATHY; RYR2-Related Catecholaminergic Polymorphic Ventricular Tachycardia; VENTRICULAR TACHYCARDIA, STRESS-INDUCED POLYMORPHIC 1. Identifiers: Orphanet 3286, MedGen C1631597, MONDO:0011484, OMIM 604772.
Cardiovascular phenotype. Identifiers: MedGen CN230736.

Allele frequency attached by ClinVar (database versions not stated): gnomAD exomes below 0.00001.
gnomAD v4.1: 3 of 1,427,606 alleles (0.00021%); highest among the groups gnomAD compares: Admixed American, 0.003%; no homozygotes.

Submissions (2):

Ambry Genetics
Classification: Uncertain significance for Cardiovascular phenotype. Last evaluated: 2024-07-16. Review status: criteria provided, single submitter. Criteria: Ambry Variant Classification Scheme 2023. Collection method: clinical testing. Allele origin: germline.

Labcorp Genetics (formerly Invitae), Labcorp
Classification: Uncertain significance for Catecholaminergic polymorphic ventricular tachycardia 1. Last evaluated: 2022-05-04. Review status: criteria provided, single submitter. Criteria: Invitae Variant Classification Sherloc (09022015). Collection method: clinical testing. Allele origin: germline.
Comment: Algorithms developed to predict the effect of missense changes on protein structure and function are either unavailable or do not agree on the potential impact of this missense change (SIFT: "Tolerated"; PolyPhen-2: "Not Available"; Align-GVGD: "Class C0"). This variant has not been reported in the literature in individuals affected with TRDN-related conditions. The frequency data for this variant in the population databases is considered unreliable, as metrics indicate poor data quality at this position in the gnomAD database. This sequence change replaces alanine, which is neutral and non-polar, with valine, which is neutral and non-polar, at codon 82 of the TRDN protein (p.Ala82Val). In summary, the available evidence is currently insufficient to determine the role of this variant in disease. Therefore, it has been classified as a Variant of Uncertain Significance.

NM_006073.4(TRDN):c.245C>T (p.Ala82Val)

Gene: TRDN (triadin; minus strand). Cytogenetic location: 6q22.31.
Variant type: single nucleotide variant.
Coding change: c.245C>T on transcript NM_006073.4 (MANE Select); coding-DNA position 245, C replaced by T.
Protein change: p.Ala82Val; replaces alanine 82 with valine.
Molecular consequence: missense variant.
Genome position (GRCh38, 1-based): chr6:123,548,600, G>A on the plus strand (C>T on the coding strand, the complement: TRDN is on the minus strand). VCF-style: chr6-123548600-G-A. GRCh37 (hg19) VCF-style: chr6-123869745-G-A.
Other names: c.245C>T (NM_006073.2); c.245C>T, p.Ala82Val (NM_001251987.2, NM_001256020.2, NM_001256021.2 and 2 more transcripts); short protein forms A82V.
Identifiers: ClinVar variation 2083162 (VCV002083162.5), dbSNP rs1230125374, ClinGen allele CA365568968.